The following is an entry in ClinVar:

ClinVar aggregate classification (germline): Uncertain significance (1 of 4 stars; one submission).

gnomAD v4.1: 2 of 1,211,160 alleles (0.00017%); highest among the groups gnomAD compares: South Asian, 0.0035%; no homozygotes.

Submission:

CeGaT Center for Human Genetics Tuebingen
Classification: Uncertain significance. Last evaluated: 2024-08-01. Review status: criteria provided, single submitter. Criteria: CeGaT Center For Human Genetics Tuebingen Variant Classification Criteria Version 2. Collection method: clinical testing. Allele origin: germline. Affected: yes. Observed: 1 variant allele.
Comment: DRP2: PM2

NM_001939.3(DRP2):c.1435C>G (p.Leu479Val)

Gene: DRP2 (dystrophin related protein 2; plus strand). Cytogenetic location: Xq22.1.
Variant type: single nucleotide variant.
Coding change: c.1435C>G on transcript NM_001939.3 (MANE Select); coding-DNA position 1435, C replaced by G.
Protein change: p.Leu479Val; replaces leucine 479 with valine.
Molecular consequence: missense variant.
Genome position (GRCh38, 1-based): chrX:101,248,271, C>G. VCF-style: chrX-101248271-C-G. GRCh37 (hg19) VCF-style: chrX-100503260-C-G.
Other names: c.1201C>G, p.Leu401Val (NM_001171184.2); short protein forms L401V, L479V.
Identifiers: ClinVar variation 3342057 (VCV003342057.16).
Genomic context (GRCh38, chrX:101,248,271, plus strand): 5'-GAGGAGGAAAGAGGCATCCTGGTCAACGTGCCACTCTGTGTGGACATGAGCCTCAATTGG[C>G]TCCTCAATGTTTTTGATAGGTAAGGGCTTTCAGCTCTGGAAGCCTCCAGGATAAAATTCA-3'
Protein context (NP_001930.2, residues 469-489): PLCVDMSLNW[Leu479Val]LNVFDSGRSG